The following is an entry in ClinVar:

ClinVar aggregate classification (germline): Uncertain significance (1 of 4 stars; one submission).

Conditions:
Spastic paraplegia. Identifiers: MedGen C0037772, HP:0001258.

Allele frequency attached by ClinVar (database versions not stated): gnomAD exomes below 0.00001; gnomAD 0.00001; TOPMed 0.00001.

Submission:

Labcorp Genetics (formerly Invitae), Labcorp
Classification: Uncertain significance for Spastic paraplegia. Last evaluated: 2022-07-01. Review status: criteria provided, single submitter. Criteria: Invitae Variant Classification Sherloc (09022015). Collection method: clinical testing. Allele origin: germline.
Comment: This sequence change replaces aspartic acid, which is acidic and polar, with histidine, which is basic and polar, at codon 357 of the B4GALNT1 protein (p.Asp357His). This variant is present in population databases (no rsID available, gnomAD 0.004%). This variant has not been reported in the literature in individuals affected with B4GALNT1-related conditions. Algorithms developed to predict the effect of missense changes on protein structure and function (SIFT, PolyPhen-2, Align-GVGD) all suggest that this variant is likely to be disruptive. In summary, the available evidence is currently insufficient to determine the role of this variant in disease. Therefore, it has been classified as a Variant of Uncertain Significance.

NM_001478.5(B4GALNT1):c.1069G>C (p.Asp357His)

Gene: B4GALNT1 (beta-1,4-N-acetyl-galactosaminyltransferase 1; minus strand). Cytogenetic location: 12q13.3.
Variant type: single nucleotide variant.
Coding change: c.1069G>C on transcript NM_001478.5 (MANE Select); coding-DNA position 1069, G replaced by C.
Protein change: p.Asp357His; replaces aspartic acid 357 with histidine.
Molecular consequence: missense variant.
Genome position (GRCh38, 1-based): chr12:57,628,196, C>G on the plus strand (G>C on the coding strand, the complement: B4GALNT1 is on the minus strand). VCF-style: chr12-57628196-C-G. GRCh37 (hg19) VCF-style: chr12-58021979-C-G.
Other names: c.904G>C, p.Asp302His (NM_001276468.2, NM_001413978.1); c.1204G>C, p.Asp402His (NM_001413967.1, NM_001413968.1, NM_001413969.1); c.1069G>C, p.Asp357His (NM_001413970.1, NM_001413971.1, NM_001413972.1 and 2 more transcripts); c.970G>C, p.Asp324His (NM_001413977.1); c.217G>C, p.Asp73His (NM_001413981.1); c.82G>C, p.Asp28His (NM_001413982.1, NM_001413983.1, NM_001413984.1); short protein forms D324H, D357H, D302H, D28H, D73H, D402H.
Identifiers: ClinVar variation 2048696 (VCV002048696.1), dbSNP rs1253676269, ClinGen allele CA385495656.
Genomic context (GRCh38, chr12:57,628,196, plus strand): 5'-TCCGCTCCAGCACGTCCACAAGCCTCTCCAGCCGCGTCCGCGCCGTGAAGACGAAGTCGT[C>G]GTCCACCCACAGCACGTACTTGGTGGTTACTTGAGACACGGCCAGGTTCCGGCCTGCGAA-3'
Protein context (NP_001469.1, residues 347-367): VTTKYVLWVD[Asp357His]DFVFTARTRL